The following is an entry in ClinVar:

ClinVar aggregate classification (germline): Uncertain significance (1 of 4 stars; one submission).

Conditions:
TTN-related disorder. Also called: TTN-related disorders; TTN-related condition; TTN-related disease.

gnomAD v4.1: 43 of 1,612,282 alleles (0.0027%); highest among the groups gnomAD compares: East Asian, 0.029%; no homozygotes.

Submission:

PreventionGenetics, part of Exact Sciences
Classification: Uncertain significance for TTN-related condition. Last evaluated: 2026-08-11. Review status: criteria provided, single submitter. Criteria: ACMG Guidelines, 2015. Collection method: clinical testing. Allele origin: germline.
Comment: The TTN c.35429G>A variant is predicted to result in the amino acid substitution p.Arg11810His. To our knowledge, this variant has not been reported in the literature. This variant is reported in 0.0066% of alleles in individuals of South Asian descent in gnomAD. At this time, the clinical significance of this variant is uncertain due to the absence of conclusive functional and genetic evidence.

NM_001267550.2(TTN):c.35429G>A (p.Arg11810His)

Gene: TTN (titin; minus strand). Cytogenetic location: 2q31.2.
Variant type: single nucleotide variant.
Coding change: c.35429G>A on transcript NM_001267550.2 (MANE Select); coding-DNA position 35429, G replaced by A.
Protein change: p.Arg11810His; replaces arginine 11810 with histidine.
Molecular consequence: missense variant. On other transcripts: intron variant (5).
Genome position (GRCh38, 1-based): chr2:178,669,633, C>T on the plus strand (G>A on the coding strand, the complement: TTN is on the minus strand). VCF-style: chr2-178669633-C-T. GRCh37 (hg19) VCF-style: chr2-179534360-C-T.
Other names: c.13283-27316G>A (NM_003319.4); c.13859-27316G>A (NM_133437.4); c.13658-27316G>A (NM_133432.3); c.31483+585G>A (NM_133378.4); c.34264+585G>A (NM_001256850.1); short protein forms R11810H.
Identifiers: ClinVar variation 4981847 (VCV004981847.1).
Genomic context (GRCh38, chr2:178,669,633, plus strand): 5'-GATTAGCATCACTGTATACCTTTAGCTGGTGGAACTTCAGGCTTTTTCAGAACAGCTTCA[C>T]GAACTTTTTCTTCTGGGACAATTTTCTTGGGTACTTCGGGTGCTTTAAAGATATTTATTT-3'
Protein context (NP_001254479.2, residues 11800-11820): PKKIVPEEKV[Arg11810His]EAVLKKPEVP